The following is an entry in ClinVar:

ClinVar aggregate classification (germline): Conflicting classifications of pathogenicity. Review status: criteria provided, conflicting classifications (1 of 4 stars). 4 submissions from 4 submitters: Uncertain significance (1); Likely benign (3). Last evaluated 2025-11-24.

Conditions:
Holoprosencephaly 9 (HPE9). Also called: HOLOPROSENCEPHALY WITH MICROPHTHALMIA AND FIRST BRANCHIAL ARCH ANOMALIES; PITUITARY ANOMALIES WITH HOLOPROSENCEPHALY-LIKE FEATURES. Identifiers: Orphanet 2162, MedGen C1835819, MONDO:0012563, OMIM 610829.
Postaxial polydactyly-anterior pituitary anomalies-facial dysmorphism syndrome. Also called: Culler-Jones syndrome. Identifiers: Orphanet 420584, MedGen C4014479, MONDO:0014369, OMIM 615849.

Allele frequency attached by ClinVar (database versions not stated): gnomAD 0.00004 and 0.00006; TOPMed 0.00007; 1000 Genomes Project 30x 0.00016; gnomAD exomes 0.00016; 1000 Genomes Project 0.00020; ExAC 0.00020.
gnomAD v4.1: 84 of 1,613,986 alleles (0.0052%); highest among the groups gnomAD compares: East Asian, 0.04%; no homozygotes.

Submissions (4):

Labcorp Genetics (formerly Invitae), Labcorp
Classification: Likely benign for Postaxial polydactyly-anterior pituitary anomalies-facial dysmorphism syndrome; Holoprosencephaly 9. Last evaluated: 2025-11-24. Review status: criteria provided, single submitter. Criteria: Invitae Variant Classification Sherloc (09022015). Collection method: clinical testing. Allele origin: germline.

Women's Health and Genetics/Laboratory Corporation of America, LabCorp
Classification: Likely benign. Last evaluated: 2025-03-31. Review status: criteria provided, single submitter. Criteria: LabCorp Variant Classification Summary - May 2015. Collection method: clinical testing. Allele origin: germline.
Comment: Variant summary: GLI2 c.2140G>A (p.Ala714Thr) results in a non-conservative amino acid change in the encoded protein sequence. Four of five in-silico tools predict a benign effect of the variant on protein function. The variant allele was found at a frequency of 0.00016 in 250718 control chromosomes, predominantly at a frequency of 0.0013 within the East Asian subpopulation in the gnomAD database. The observed variant frequency within East Asian control individuals in the gnomAD database exceeds the estimated maximal expected allele frequency for a pathogenic variant in GLI2 causing GLI2-Related Disorders phenotype. c.2140G>A has been reported in the literature in one individual affected with Optic nerve hypoplasia, corpus callosum hypoplasia and microcephaly, without strong evidence for causality (Bear_2014, Paulo_2015). These report(s) do not provide unequivocal conclusions about association of the variant with GLI2-Related Disorders. To our knowledge, no experimental evidence demonstrating an impact on protein function has been reported. The following publications have been ascertained in the context of this evaluation (PMID: 24744436, 25056824). ClinVar contains an entry for this variant (Variation ID: 290689). Based on the evidence outlined above, the variant was classified as likely benign.

Blueprint Genetics
Classification: Likely benign. Last evaluated: 2023-09-20. Review status: criteria provided, single submitter. Criteria: ACMG Guidelines, 2015. Collection method: clinical testing. Allele origin: germline.

Eurofins Ntd Llc (ga)
Classification: Uncertain significance. Last evaluated: 2016-09-07. Review status: criteria provided, single submitter. Criteria: EGL Classification Definitions 2015. Collection method: clinical testing. Allele origin: germline. Observed: 2 variant alleles, 2 heterozygotes.

Literature cited by the submitters: PubMed 24744436 (cited by Women's Health and Genetics/Laboratory Corporation of America, LabCorp); PubMed 25056824 (cited by Women's Health and Genetics/Laboratory Corporation of America, LabCorp).

NM_001374353.1(GLI2):c.2089G>A (p.Ala697Thr)

Gene: GLI2 (GLI family zinc finger 2; plus strand). Cytogenetic location: 2q14.2.
Variant type: single nucleotide variant.
Coding change: c.2089G>A on transcript NM_001374353.1 (MANE Select); coding-DNA position 2089, G replaced by A.
Protein change: p.Ala697Thr; replaces alanine 697 with threonine.
Molecular consequence: missense variant.
Genome position (GRCh38, 1-based): chr2:120,986,461, G>A. VCF-style: chr2-120986461-G-A. GRCh37 (hg19) VCF-style: chr2-121744037-G-A.
Other names: c.2140G>A, p.Ala714Thr (NM_001371271.1, NM_005270.5); c.1714G>A, p.Ala572Thr (NM_001374354.1); short protein forms A714T, A572T, A697T.
Identifiers: ClinVar variation 290689 (VCV000290689.14), dbSNP rs553780090, ClinGen allele CA1852133.